The following is an entry in ClinVar:

NM_138694.4(PKHD1):c.10984_10987del (p.Ile3662fs)

Gene: PKHD1 (PKHD1 ciliary IPT domain containing fibrocystin/polyductin; minus strand). Cytogenetic location: 6p12.3.
Variant type: Deletion.
Coding change: c.10984_10987del on transcript NM_138694.4 (MANE Select); coding-DNA positions 10984 to 10987, 4 bases deleted (ATTG; older notation c.10984_10987delATTG).
Protein change: p.Ile3662fs; shifts the reading frame from isoleucine 3662.
Molecular consequence: frameshift variant.
Genome position (GRCh38, 1-based): chr6:51,659,139-51,659,142, CAAT deleted on the plus strand (ATTG on the coding strand, the reverse complement: PKHD1 is on the minus strand); deleting any 4 consecutive bases within chr6:51,659,139-51,659,144 gives the same sequence; the c. name uses the placement nearest the transcript's 3' end. VCF-style (leftmost placement, unchanged base first): chr6-51659138-ACAAT-A. GRCh37 (hg19) VCF-style: chr6-51523936-ACAAT-A.
Other names: short protein forms I3662fs.
Identifiers: ClinVar variation 945035 (VCV000945035.8), dbSNP rs1772384576, ClinGen allele CA1139659588.
Genomic context (GRCh38, chr6:51,659,138, plus strand): 5'-CTTGATAAGGATGAAATCATTCCAGTGCTCCTTACTGTTGGCGAATCACCAATTTCAATG[ACAAT>A]CACTTTTGAGATAGTTTCCACAGTCATTGGGGGTGAAGCCCTATGTGAGTTCATTTCCAT-3'

ClinVar aggregate classification (germline): Pathogenic (1 of 4 stars; one submission).

Conditions:
Autosomal recessive polycystic kidney disease (ARPKD). Also called: AR polycystic kidney disease. Identifiers: Orphanet 731, Orphanet 8378, MedGen C0085548, MeSH D017044, MONDO:0009889.

Submission:

Labcorp Genetics (formerly Invitae), Labcorp
Classification: Pathogenic for Autosomal recessive polycystic kidney disease. Last evaluated: 2019-05-01. Review status: criteria provided, single submitter. Criteria: Invitae Variant Classification Sherloc (09022015). Collection method: clinical testing. Allele origin: germline.
Comment: This sequence change creates a premature translational stop signal (p.Ile3662Serfs*10) in the PKHD1 gene. It is expected to result in an absent or disrupted protein product. This variant is not present in population databases (ExAC no frequency). This variant has not been reported in the literature in individuals with PKHD1-related conditions. Loss-of-function variants in PKHD1 are known to be pathogenic (PMID: 19940839). For these reasons, this variant has been classified as Pathogenic.

Literature cited by the submitters: PubMed 19940839.